The following is an entry in ClinVar:

ClinVar aggregate classification (germline): Uncertain significance (1 of 4 stars; one submission).

Conditions:
Hereditary nonpolyposis colorectal neoplasms. Identifiers: MedGen C0009405, MeSH D003123.

Submission:

Labcorp Genetics (formerly Invitae), Labcorp
Classification: Uncertain significance for Hereditary nonpolyposis colorectal neoplasms. Last evaluated: 2023-10-30. Review status: criteria provided, single submitter. Criteria: Invitae Variant Classification Sherloc (09022015). Collection method: clinical testing. Allele origin: germline.
Comment: This sequence change replaces glutamic acid, which is acidic and polar, with lysine, which is basic and polar, at codon 271 of the MSH6 protein (p.Glu271Lys). This variant is not present in population databases (gnomAD no frequency). This variant has not been reported in the literature in individuals affected with MSH6-related conditions. Advanced modeling of protein sequence and biophysical properties (such as structural, functional, and spatial information, amino acid conservation, physicochemical variation, residue mobility, and thermodynamic stability) performed at Invitae indicates that this missense variant is not expected to disrupt MSH6 protein function with a negative predictive value of 95%. In summary, the available evidence is currently insufficient to determine the role of this variant in disease. Therefore, it has been classified as a Variant of Uncertain Significance.

NM_000179.3(MSH6):c.811G>A (p.Glu271Lys)

Gene: MSH6 (mutS homolog 6; plus strand). Cytogenetic location: 2p16.3.
Variant type: single nucleotide variant.
Coding change: c.811G>A on transcript NM_000179.3 (MANE Select); coding-DNA position 811, G replaced by A.
Protein change: p.Glu271Lys; replaces glutamic acid 271 with lysine.
Molecular consequence: missense variant. On other transcripts: 5 prime UTR variant (9), non-coding transcript variant (4), intron variant (1).
Genome position (GRCh38, 1-based): chr2:47,798,794, G>A. VCF-style: chr2-47798794-G-A. GRCh37 (hg19) VCF-style: chr2-48025933-G-A.
Other names: c.421G>A, p.Glu141Lys (NM_001281492.2); c.-96G>A (NM_001281493.2, NM_001281494.2, NM_001406811.1 and 6 more transcripts); c.907G>A, p.Glu303Lys (NM_001406795.1, NM_001406802.1); c.811G>A, p.Glu271Lys (NM_001406796.1, NM_001406798.1, NM_001406800.1 and 4 more transcripts); c.514G>A, p.Glu172Lys (NM_001406797.1, NM_001406801.1, NM_001406805.1 and 10 more transcripts); c.286G>A, p.Glu96Lys (NM_001406799.1, NM_001406806.1, NM_001406807.1); c.733G>A, p.Glu245Lys (NM_001406804.1); c.817G>A, p.Glu273Lys (NM_001406813.1); and 2 more; short protein forms E172K, E215K, E303K, E96K, E141K, E245K, E271K, E273K.
Identifiers: ClinVar variation 2772852 (VCV002772852.3), dbSNP rs2104299033, ClinGen allele CA346740376.
Genomic context (GRCh38, chr2:47,798,794, plus strand): 5'-ATATCAGATTCTGAGAGTGACATTGGTGGCTCTGATGTGGAATTTAAGCCAGACACTAAG[G>A]AGGAAGGAAGCAGTGATGAAATAAGCAGTGGAGTGGGGGATAGTGAGAGTGAAGGCCTGA-3'
Protein context (NP_000170.1, residues 261-281): SDVEFKPDTK[Glu271Lys]EGSSDEISSG